The following is an entry in ClinVar:

ClinVar aggregate classification (germline): Uncertain significance (1 of 4 stars; one submission).

Conditions:
Left ventricular noncompaction 8 (LVNC8). Identifiers: Orphanet 154, Orphanet 54260, MedGen C3809288, MONDO:0014152, OMIM 615373.

Submission:

Labcorp Genetics (formerly Invitae), Labcorp
Classification: Uncertain significance for Left ventricular noncompaction 8. Last evaluated: 2026-01-12. Review status: criteria provided, single submitter. Criteria: Invitae Variant Classification Sherloc (09022015). Collection method: clinical testing. Allele origin: germline.
Comment: This variant, c.3369_3389del, results in the deletion of 7 amino acid(s) of the PRDM16 protein (p.Asp1124_Asp1130del), but otherwise preserves the integrity of the reading frame. This variant is present in population databases (rs753254261, gnomAD 0.007%). This variant has not been reported in the literature in individuals affected with PRDM16-related conditions. ClinVar contains an entry for this variant (Variation ID: 1366728). Experimental studies and prediction algorithms are not available or were not evaluated, and the functional significance of this variant is currently unknown. In summary, the available evidence is currently insufficient to determine the role of this variant in disease. Therefore, it has been classified as a Variant of Uncertain Significance.

NM_022114.4(PRDM16):c.3369_3389del (p.Asp1124_Asp1130del)

Gene: PRDM16 (PR/SET domain 16; plus strand). Cytogenetic location: 1p36.32.
Variant type: Deletion.
Coding change: c.3369_3389del on transcript NM_022114.4 (MANE Select); coding-DNA positions 3369 to 3389, 21 bases deleted (CGATGACCTGGAGGAGGACGA).
Protein change: p.Asp1124_Asp1130del.
Molecular consequence: inframe deletion.
Genome position (GRCh38, 1-based): chr1:3,430,956-3,430,976, CGATGACCTGGAGGAGGACGA deleted; deleting any 21 consecutive bases within chr1:3,430,944-3,430,976 gives the same sequence; the c. name uses the placement nearest the transcript's 3' end. VCF-style (leftmost placement, unchanged base first): chr1-3430943-AGGAGGAGGACGACGATGACCT-A. GRCh37 (hg19) VCF-style: chr1-3347507-AGGAGGAGGACGACGATGACCT-A.
Other names: c.3369_3389del, p.Asp1124_Asp1130del (NM_199454.3).
Identifiers: ClinVar variation 1366728 (VCV001366728.8), dbSNP rs753254261, ClinGen allele CA544845.